The following is an entry in ClinVar:

NM_001378120.1(MBD5):c.4408C>G (p.Leu1470Val)

Gene: MBD5 (methyl-CpG binding domain protein 5; plus strand). Cytogenetic location: 2q23.1.
Variant type: single nucleotide variant.
Coding change: c.4408C>G on transcript NM_001378120.1 (MANE Select); coding-DNA position 4408, C replaced by G.
Protein change: p.Leu1470Val; replaces leucine 1470 with valine.
Molecular consequence: missense variant.
Genome position (GRCh38, 1-based): chr2:148,490,040, C>G. VCF-style: chr2-148490040-C-G. GRCh37 (hg19) VCF-style: chr2-149247609-C-G.
Other names: c.3709C>G, p.Leu1237Val (NM_018328.5); short protein forms L1237V, L1470V.
Identifiers: ClinVar variation 2446552 (VCV002446552.1), dbSNP rs1681473032, ClinGen allele CA348729195.

ClinVar aggregate classification (germline): Uncertain significance (1 of 4 stars; one submission).

Submission:

GeneDx
Classification: Uncertain significance. Last evaluated: 2023-03-27. Review status: criteria provided, single submitter. Criteria: GeneDx Variant Classification Process June 2021. Collection method: clinical testing. Allele origin: germline. Affected: yes.
Comment: Not observed at significant frequency in large population cohorts (gnomAD); In silico analysis supports that this missense variant does not alter protein structure/function; Has not been previously published as pathogenic or benign to our knowledge